The following is an entry in ClinVar:

NM_006231.4(POLE):c.4962C>A (p.His1654Gln)

Gene: POLE (DNA polymerase epsilon, catalytic subunit; minus strand). Cytogenetic location: 12q24.33.
Variant type: single nucleotide variant.
Coding change: c.4962C>A on transcript NM_006231.4 (MANE Select); coding-DNA position 4962, C replaced by A.
Protein change: p.His1654Gln; replaces histidine 1654 with glutamine.
Molecular consequence: missense variant.
Genome position (GRCh38, 1-based): chr12:132,642,388, G>T on the plus strand (C>A on the coding strand, the complement: POLE is on the minus strand). VCF-style: chr12-132642388-G-T. GRCh37 (hg19) VCF-style: chr12-133218974-G-T.
Other names: short protein forms H1654Q.
Identifiers: ClinVar variation 1047843 (VCV001047843.8), dbSNP rs1555222521, ClinGen allele CA387377677.

ClinVar aggregate classification (germline): Uncertain significance (1 of 4 stars; one submission).

Submission:

Labcorp Genetics (formerly Invitae), Labcorp
Classification: Uncertain significance. Last evaluated: 2025-03-02. Review status: criteria provided, single submitter. Criteria: Invitae Variant Classification Sherloc (09022015). Collection method: clinical testing. Allele origin: germline.
Comment: This sequence change replaces histidine, which is basic and polar, with glutamine, which is neutral and polar, at codon 1654 of the POLE protein (p.His1654Gln). This variant is not present in population databases (gnomAD no frequency). This variant has not been reported in the literature in individuals affected with POLE-related conditions. ClinVar contains an entry for this variant (Variation ID: 1047843). Invitae Evidence Modeling of protein sequence and biophysical properties (such as structural, functional, and spatial information, amino acid conservation, physicochemical variation, residue mobility, and thermodynamic stability) indicates that this missense variant is not expected to disrupt POLE protein function with a negative predictive value of 80%. In summary, the available evidence is currently insufficient to determine the role of this variant in disease. Therefore, it has been classified as a Variant of Uncertain Significance.